The following is an entry in ClinVar:

ClinVar aggregate classification (germline): Likely benign (1 of 4 stars; one submission).

gnomAD v4.1: 26 of 1,511,882 alleles (0.0017%); highest among the groups gnomAD compares: Non-Finnish European, 0.0023%; no homozygotes.

Submission:

CeGaT Center for Human Genetics Tuebingen
Classification: Likely benign. Last evaluated: 2026-01-01. Review status: criteria provided, single submitter. Criteria: CeGaT Center For Human Genetics Tuebingen Variant Classification Criteria Version 2. Collection method: clinical testing. Allele origin: germline. Affected: yes. Observed: 1 variant allele.
Comment: SETD1B: BP4, BP7

NM_001353345.2(SETD1B):c.4215C>T (p.Gly1405=)

Gene: SETD1B (SET domain containing 1B, histone lysine methyltransferase; plus strand). Cytogenetic location: 12q24.31.
Variant type: single nucleotide variant.
Coding change: c.4215C>T on transcript NM_001353345.2 (MANE Select); coding-DNA position 4215, C replaced by T.
Protein change: p.Gly1405=; no amino-acid change (glycine 1405 retained).
Molecular consequence: synonymous variant.
Genome position (GRCh38, 1-based): chr12:121,822,794, C>T. VCF-style: chr12-121822794-C-T. GRCh37 (hg19) VCF-style: chr12-122260700-C-T.
Identifiers: ClinVar variation 4821971 (VCV004821971.4).